The following is an entry in ClinVar:

NM_020937.4(FANCM):c.5861G>A (p.Arg1954Lys)

Gene: FANCM (FA complementation group M; plus strand). Cytogenetic location: 14q21.2.
Variant type: single nucleotide variant.
Coding change: c.5861G>A on transcript NM_020937.4 (MANE Select); coding-DNA position 5861, G replaced by A.
Protein change: p.Arg1954Lys; replaces arginine 1954 with lysine.
Molecular consequence: missense variant.
Genome position (GRCh38, 1-based): chr14:45,198,788, G>A. VCF-style: chr14-45198788-G-A. GRCh37 (hg19) VCF-style: chr14-45667991-G-A.
Other names: c.5783G>A, p.Arg1928Lys (NM_001308133.2); short protein forms R1954K, R1928K.
Identifiers: ClinVar variation 4022599 (VCV004022599.1).
Genomic context (GRCh38, chr14:45,198,788, plus strand): 5'-TCAGTTCCTGCCAAGAAGAAACCGCAGATTTGCTAAAGGAACTGTCTTTAGTGGAACAAA[G>A]AAAGAATGTTGGTATTCATGTTCCAACAGTGGTGAATAGTAATAAAAGTGAGGCACTCCA-3'
Protein context (NP_065988.1, residues 1944-1964): LLKELSLVEQ[Arg1954Lys]KNVGIHVPTV

ClinVar aggregate classification (germline): Uncertain significance (1 of 4 stars; one submission).

Conditions:
Inborn genetic diseases. Identifiers: MedGen C0950123, MeSH D030342.

Submission:

Ambry Genetics
Classification: Uncertain significance for Inborn genetic diseases. Last evaluated: 2025-03-22. Review status: criteria provided, single submitter. Criteria: Ambry Variant Classification Scheme 2023. Collection method: clinical testing. Allele origin: germline.
Comment: The p.R1954K variant (also known as c.5861G>A), located in coding exon 22 of the FANCM gene, results from a G to A substitution at nucleotide position 5861. The arginine at codon 1954 is replaced by lysine, an amino acid with highly similar properties. This amino acid position is conserved. In addition, this alteration is predicted to be tolerated by in silico analysis. Based on the available evidence, the clinical significance of this variant remains unclear.